The following is an entry in ClinVar:

NM_002480.3(PPP1R12A):c.2852del (p.His951fs)

Gene: PPP1R12A (protein phosphatase 1 regulatory subunit 12A; minus strand). Cytogenetic location: 12q21.2.
Variant type: Deletion.
Coding change: c.2852del on transcript NM_002480.3 (MANE Select); coding-DNA position 2852, one base deleted (A; older notation c.2852delA).
Protein change: p.His951fs; shifts the reading frame from histidine 951.
Molecular consequence: frameshift variant. On other transcripts: intron variant (1).
Genome position (GRCh38, 1-based): chr12:79,786,429, T deleted on the plus strand (A on the coding strand, the reverse complement: PPP1R12A is on the minus strand). VCF-style (leftmost placement, unchanged base first): chr12-79786428-AT-A. GRCh37 (hg19) VCF-style: chr12-80180208-AT-A.
Other names: c.2852del, p.His951fs (NM_001143885.2); c.2591del, p.His864fs (NM_001143886.2); c.2684del, p.His895fs (NM_001244992.1); c.2802+2219del (NM_001244990.2); short protein forms H864fs, H895fs, H951fs.
Identifiers: ClinVar variation 2584465 (VCV002584465.1), dbSNP rs2547884822, ClinGen allele CA2582341792.

ClinVar aggregate classification (germline): Likely pathogenic (1 of 4 stars; one submission).

Conditions:
Genitourinary and/or brain malformation syndrome (GUBS). Also called: PPP1R12A-Related Urogenital and/or Brain Malformation Syndrome. Identifiers: MedGen C5394158, MONDO:0032934, OMIM 618820.

Submission:

Rady Children's Institute for Genomic Medicine, Rady Children's Hospital San Diego
Classification: Likely pathogenic for Genitourinary and/or Brain Malformation Syndrome. Review status: criteria provided, single submitter. Criteria: ACMG Guidelines, 2015. Collection method: clinical testing. Allele origin: germline. Affected: yes.
Comment: This nonsense variant found in exon 22 of 25 is predicted to result in loss of normal protein function through either protein truncation or nonsense-mediated mRNA decay (NMD). This variant has not been previously reported or functionally characterized in the literature to our knowledge. Loss-of-function variation in PPP1R12A is an established mechanism of disease (PMID: 31883643). The c.2852del (p.His951LeufsTer7) variant is absent from the gnomAD population database and thus is presumed to be rare. Based on the available evidence, the c.2852del (p.His951LeufsTer7) variant is classified as Likely Pathogenic.